The following is an entry in ClinVar:

NM_004360.5(CDH1):c.157G>T (p.Gly53Cys)

Gene: CDH1 (cadherin 1; plus strand). Cytogenetic location: 16q22.1.
Variant type: single nucleotide variant.
Coding change: c.157G>T on transcript NM_004360.5 (MANE Select); coding-DNA position 157, G replaced by T.
Protein change: p.Gly53Cys; replaces glycine 53 with cysteine.
Molecular consequence: missense variant. On other transcripts: 5 prime UTR variant (2).
Genome position (GRCh38, 1-based): chr16:68,738,405, G>T. VCF-style: chr16-68738405-G-T. GRCh37 (hg19) VCF-style: chr16-68772308-G-T.
Other names: c.157G>T, p.Gly53Cys (NM_001317184.2); c.-1459G>T (NM_001317185.2); c.-1663G>T (NM_001317186.2); short protein forms G53C.
Identifiers: ClinVar variation 4716547 (VCV004716547.1).

ClinVar aggregate classification (germline): Uncertain significance (1 of 4 stars; one submission).

Conditions:
Hereditary diffuse gastric adenocarcinoma (HDGC). Also called: DIFFUSE GASTRIC AND LOBULAR BREAST CANCER SYNDROME. Identifiers: Orphanet 26106, MedGen C1708349, MONDO:0007648, OMIM 137215.

Submission:

Labcorp Genetics (formerly Invitae), Labcorp
Classification: Uncertain significance for Hereditary diffuse gastric adenocarcinoma. Last evaluated: 2025-04-02. Review status: criteria provided, single submitter. Criteria: Invitae Variant Classification Sherloc (09022015). Collection method: clinical testing. Allele origin: germline.
Comment: This sequence change replaces glycine, which is neutral and non-polar, with cysteine, which is neutral and slightly polar, at codon 53 of the CDH1 protein (p.Gly53Cys). This variant is not present in population databases (gnomAD no frequency). This variant has not been reported in the literature in individuals affected with CDH1-related conditions. An algorithm developed to predict the effect of missense changes on protein structure and function (PolyPhen-2) suggests that this variant is likely to be disruptive. In summary, the available evidence is currently insufficient to determine the role of this variant in disease. Therefore, it has been classified as a Variant of Uncertain Significance.